The following is an entry in ClinVar:

ClinVar aggregate classification (germline): Uncertain significance (1 of 4 stars; one submission).

Conditions:
Chédiak-Higashi syndrome (CHS). Also called: Chediak-Higashi Syndrome. Identifiers: Orphanet 167, MedGen C0007965, MONDO:0008963, OMIM 214500.

Submission:

Labcorp Genetics (formerly Invitae), Labcorp
Classification: Uncertain significance for Chédiak-Higashi syndrome. Last evaluated: 2022-07-25. Review status: criteria provided, single submitter. Criteria: Invitae Variant Classification Sherloc (09022015). Collection method: clinical testing. Allele origin: germline.
Comment: This variant, c.106_108del, results in the deletion of 1 amino acid(s) of the LYST protein (p.Glu36del), but otherwise preserves the integrity of the reading frame. This variant is not present in population databases (gnomAD no frequency). In summary, the available evidence is currently insufficient to determine the role of this variant in disease. Therefore, it has been classified as a Variant of Uncertain Significance. Experimental studies and prediction algorithms are not available or were not evaluated, and the functional significance of this variant is currently unknown. This variant has not been reported in the literature in individuals affected with LYST-related conditions.

NM_000081.4(LYST):c.100GAG[2] (p.Glu36del)

Gene: LYST (lysosomal trafficking regulator; minus strand). Cytogenetic location: 1q42.3.
Variant type: Microsatellite.
Coding change: c.100GAG[2] on transcript NM_000081.4 (MANE Select); two copies in a row of the 3-base unit GAG starting at c.100; the reference has three copies in a row; one copy, 3 bases deleted.
Protein change: p.Glu36del; deletes glutamic acid 36.
Molecular consequence: inframe deletion. On other transcripts: non-coding transcript variant (1).
Genome position (GRCh38, 1-based): chr1:235,830,310-235,830,312, CTC deleted on the plus strand (GAG on the coding strand, the reverse complement: LYST is on the minus strand); deleting any 3 consecutive bases within chr1:235,830,310-235,830,318 gives the same sequence; the position shown is the placement nearest the transcript's 3' end. VCF-style (leftmost placement, unchanged base first): chr1-235830309-TCTC-T. GRCh37 (hg19) VCF-style: chr1-235993609-TCTC-T.
Other names: c.100GAG[2], p.Glu36del (NM_001301365.1); short protein forms E36del.
Identifiers: ClinVar variation 1515761 (VCV001515761.7), dbSNP rs1675818657, ClinGen allele CA2486659123.